The following is an entry in ClinVar:

ClinVar aggregate classification (germline): Uncertain significance (1 of 4 stars; one submission).

Conditions:
Multiple congenital anomalies-hypotonia-seizures syndrome 1 (MCAHS1). Also called: PIGN-CDG; Congenital disorder of glycosylation due to PIGN deficiency; GLYCOSYLPHOSPHATIDYLINOSITOL BIOSYNTHESIS DEFECT 3. Identifiers: Orphanet 280633, MedGen C3279775, MONDO:0013563, OMIM 614080.

Allele frequency attached by ClinVar (database versions not stated): gnomAD exomes 0.00002 and 0.00004; TOPMed 0.00002; gnomAD 0.00003; ExAC 0.00004; ESP Exome Variant Server 0.00008.
gnomAD v4.1: 56 of 1,609,130 alleles (0.0035%); highest among the groups gnomAD compares: Non-Finnish European, 0.0043%; no homozygotes.

Submission:

Labcorp Genetics (formerly Invitae), Labcorp
Classification: Uncertain significance for Multiple congenital anomalies-hypotonia-seizures syndrome 1. Last evaluated: 2022-03-08. Review status: criteria provided, single submitter. Criteria: Invitae Variant Classification Sherloc (09022015). Collection method: clinical testing. Allele origin: germline.
Comment: This sequence change replaces valine, which is neutral and non-polar, with methionine, which is neutral and non-polar, at codon 242 of the PIGN protein (p.Val242Met). This variant is present in population databases (rs374310718, gnomAD 0.008%). This variant has not been reported in the literature in individuals affected with PIGN-related conditions. ClinVar contains an entry for this variant (Variation ID: 665598). Algorithms developed to predict the effect of missense changes on protein structure and function are either unavailable or do not agree on the potential impact of this missense change (SIFT: "Tolerated"; PolyPhen-2: "Possibly Damaging"; Align-GVGD: "Class C0"). In summary, the available evidence is currently insufficient to determine the role of this variant in disease. Therefore, it has been classified as a Variant of Uncertain Significance.

NM_176787.5(PIGN):c.724G>A (p.Val242Met)

Gene: PIGN (phosphatidylinositol glycan anchor biosynthesis class N; minus strand). Cytogenetic location: 18q21.33.
Variant type: single nucleotide variant.
Coding change: c.724G>A on transcript NM_176787.5 (MANE Select); coding-DNA position 724, G replaced by A.
Protein change: p.Val242Met; replaces valine 242 with methionine.
Molecular consequence: missense variant.
Genome position (GRCh38, 1-based): chr18:62,147,052, C>T on the plus strand (G>A on the coding strand, the complement: PIGN is on the minus strand). VCF-style: chr18-62147052-C-T. GRCh37 (hg19) VCF-style: chr18-59814285-C-T.
Other names: c.724G>A, p.Val242Met (NM_012327.6); short protein forms V242M.
Identifiers: ClinVar variation 665598 (VCV000665598.4), dbSNP rs374310718, ClinGen allele CA8982516.
Genomic context (GRCh38, chr18:62,147,052, plus strand): 5'-CAGAGGTAAAGATAAATGTTGTTTTCCCATCATTTCCATAGAAGTGGTTAAACATAGACA[C>T]GATTTCTTTAACTCCATCATCAACTTTTTTAATATTGTGCTTGTAGTCTCTATTTGTAAA-3'
Protein context (NP_789744.1, residues 232-252): KKVDDGVKEI[Val242Met]SMFNHFYGND